The following is an entry in ClinVar:

NM_024642.5(GALNT12):c.254A>G (p.Gln85Arg)

Gene: GALNT12 (polypeptide N-acetylgalactosaminyltransferase 12; plus strand). Cytogenetic location: 9q22.33.
Variant type: single nucleotide variant.
Coding change: c.254A>G on transcript NM_024642.5 (MANE Select); coding-DNA position 254, A replaced by G.
Protein change: p.Gln85Arg; replaces glutamine 85 with arginine.
Molecular consequence: missense variant.
Genome position (GRCh38, 1-based): chr9:98,807,952, A>G. VCF-style: chr9-98807952-A-G. GRCh37 (hg19) VCF-style: chr9-101570234-A-G.
Other names: short protein forms Q85R.
Identifiers: ClinVar variation 1792924 (VCV001792924.8), dbSNP rs930278111, ClinGen allele CA196833822.
Genomic context (GRCh38, chr9:98,807,952, plus strand): 5'-TGCCGCGGCCGCCGGTGCCGGCGAACGCGCTGGGCGCGCGGGGCGAGGCGGTGCGGCTGC[A>G]GCTGCAGGGCGAGGAGCTGCGGCTGCAGGAGGAGAGCGTGCGGCTGCACCAGATTAACAT-3'
Protein context (NP_078918.3, residues 75-95): LGARGEAVRL[Gln85Arg]LQGEELRLQE

ClinVar aggregate classification (germline): Uncertain significance. Review status: criteria provided, multiple submitters, no conflicts (2 of 4 stars). 2 submissions from 2 submitters: Uncertain significance (2). Last evaluated 2025-11-02.

Allele frequency attached by ClinVar (database versions not stated): TOPMed 0.00004; gnomAD 0.00004.

Submissions (2):

Ambry Genetics
Classification: Uncertain significance. Last evaluated: 2025-11-02. Review status: criteria provided, single submitter. Criteria: Ambry Variant Classification Scheme 2023. Collection method: clinical testing. Allele origin: germline.
Comment: The p.Q85R variant (also known as c.254A>G), located in coding exon 1 of the GALNT12 gene, results from an A to G substitution at nucleotide position 254. The glutamine at codon 85 is replaced by arginine, an amino acid with highly similar properties. This amino acid position is not well conserved in available vertebrate species. In addition, this alteration is predicted to be tolerated by in silico analysis. Since supporting evidence is limited at this time, the clinical significance of this alteration remains unclear.

Labcorp Genetics (formerly Invitae), Labcorp
Classification: Uncertain significance. Last evaluated: 2022-10-27. Review status: criteria provided, single submitter. Criteria: Invitae Variant Classification Sherloc (09022015). Collection method: clinical testing. Allele origin: germline.
Comment: In summary, the available evidence is currently insufficient to determine the role of this variant in disease. Therefore, it has been classified as a Variant of Uncertain Significance. Advanced modeling of protein sequence and biophysical properties (such as structural, functional, and spatial information, amino acid conservation, physicochemical variation, residue mobility, and thermodynamic stability) performed at Invitae indicates that this missense variant is not expected to disrupt GALNT12 protein function. This variant has not been reported in the literature in individuals affected with GALNT12-related conditions. The frequency data for this variant in the population databases is considered unreliable, as metrics indicate poor data quality at this position in the gnomAD database. This sequence change replaces glutamine, which is neutral and polar, with arginine, which is basic and polar, at codon 85 of the GALNT12 protein (p.Gln85Arg).